The following is an entry in ClinVar:

NM_003412.4(ZIC1):c.1199G>A (p.Gly400Asp)

Gene: ZIC1 (Zic family member 1; plus strand). Cytogenetic location: 3q24.
Variant type: single nucleotide variant.
Coding change: c.1199G>A on transcript NM_003412.4 (MANE Select); coding-DNA position 1199, G replaced by A.
Protein change: p.Gly400Asp; replaces glycine 400 with aspartic acid.
Molecular consequence: missense variant.
Genome position (GRCh38, 1-based): chr3:147,413,406, G>A. VCF-style: chr3-147413406-G-A. GRCh37 (hg19) VCF-style: chr3-147131193-G-A.
Other names: short protein forms G400D.
Identifiers: ClinVar variation 1691052 (VCV001691052.2), dbSNP rs2107994712, ClinGen allele CA354898466.

ClinVar aggregate classification (germline): Uncertain significance (1 of 4 stars; one submission).

Submission:

Laboratorio de Genetica e Diagnostico Molecular, Hospital Israelita Albert Einstein
Classification: Uncertain significance. Last evaluated: 2021-09-06. Review status: criteria provided, single submitter. Criteria: ACMG Guidelines, 2015. Collection method: clinical testing. Allele origin: germline. Affected: yes.
Comment: ACMG classification criteria: PM2, PM5, BP4